The following is an entry in ClinVar:

ClinVar aggregate classification (germline): Uncertain significance (1 of 4 stars; one submission).

Conditions:
Combined immunodeficiency due to STIM1 deficiency. Also called: IMMUNODEFICIENCY 10; STIM1 DEFICIENCY. Identifiers: Orphanet 169090, Orphanet 317430, MedGen C2748557, MONDO:0013008, OMIM 612783.
Myopathy with tubular aggregates (TAM). Also called: Tubular Aggregate Myopathy. Identifiers: Orphanet 2593, MedGen C0410207, MONDO:0008051.
Stormorken syndrome (STRMK). Also called: THROMBOCYTOPATHY, ASPLENIA, AND MIOSIS. Identifiers: Orphanet 3204, MedGen C1861451, MONDO:0008497, OMIM 185070.

Submission:

Labcorp Genetics (formerly Invitae), Labcorp
Classification: Uncertain significance for Myopathy with tubular aggregates; Combined immunodeficiency due to STIM1 deficiency; Stormorken syndrome. Last evaluated: 2020-05-04. Review status: criteria provided, single submitter. Criteria: Invitae Variant Classification Sherloc (09022015). Collection method: clinical testing. Allele origin: germline.
Comment: In summary, the available evidence is currently insufficient to determine the role of this variant in disease. Therefore, it has been classified as a Variant of Uncertain Significance. Algorithms developed to predict the effect of missense changes on protein structure and function are either unavailable or do not agree on the potential impact of this missense change (SIFT: "Deleterious"; PolyPhen-2: "Probably Damaging"; Align-GVGD: "Class C0"). This variant has not been reported in the literature in individuals with STIM1-related conditions. This variant is not present in population databases (ExAC no frequency). This sequence change replaces glycine with alanine at codon 589 of the STIM1 protein (p.Gly589Ala). The glycine residue is moderately conserved and there is a small physicochemical difference between glycine and alanine.

NM_001382567.1(STIM1):c.1859G>C (p.Gly620Ala)

Genes: STIM1 (stromal interaction molecule 1; plus strand), LOC124418421 (Sharpr-MPRA regulatory region 9588; plus strand). Cytogenetic location: 11p15.4.
Variant type: single nucleotide variant.
Coding change: c.1859G>C on transcript NM_001382567.1 (MANE Select); coding-DNA position 1859, G replaced by C.
Protein change: p.Gly620Ala; replaces glycine 620 with alanine.
Molecular consequence: missense variant. On other transcripts: 3 prime UTR variant (4), non-coding transcript variant (3).
Genome position (GRCh38, 1-based): chr11:4,091,506, G>C. VCF-style: chr11-4091506-G-C. GRCh37 (hg19) VCF-style: chr11-4112736-G-C.
Other names: c.2084G>C, p.Gly695Ala (NM_001277961.3); c.*180G>C (NM_001277962.2, NM_001382578.1, NM_001382579.1 and 1 more transcripts); c.1862G>C, p.Gly621Ala (NM_001382566.1); c.1787G>C, p.Gly596Ala (NM_001382568.1); c.1631G>C, p.Gly544Ala (NM_001382569.1); c.1538G>C, p.Gly513Ala (NM_001382570.1); c.1286G>C, p.Gly429Ala (NM_001382571.1); c.1544G>C, p.Gly515Ala (NM_001382575.1, NM_001382576.1, NM_001382577.1); and 2 more; short protein forms G426A, G429A, G513A, G515A, G544A, G589A, G596A, G620A.
Identifiers: ClinVar variation 1010176 (VCV001010176.11), dbSNP rs2094525006, ClinGen allele CA379197300.